The following is an entry in ClinVar:

ClinVar aggregate classification (germline): Uncertain significance. Review status: criteria provided, multiple submitters, no conflicts (2 of 4 stars). 2 submissions from 2 submitters: Uncertain significance (2). Last evaluated 2024-01-15.

Conditions:
Inborn genetic diseases. Identifiers: MedGen C0950123, MeSH D030342.
Autosomal dominant Parkinson disease 8. Also called: LRRK2-Related Parkinson Disease; Parkinson disease 8; Parkinson disease 8, susceptibility to. Identifiers: Orphanet 411602, MedGen C1846862, MONDO:0011764, OMIM 607060.

Submissions (2):

Labcorp Genetics (formerly Invitae), Labcorp
Classification: Uncertain significance for Autosomal dominant Parkinson disease 8. Last evaluated: 2024-01-15. Review status: criteria provided, single submitter. Criteria: Invitae Variant Classification Sherloc (09022015). Collection method: clinical testing. Allele origin: germline.
Comment: This sequence change replaces proline, which is neutral and non-polar, with serine, which is neutral and polar, at codon 485 of the LRRK2 protein (p.Pro485Ser). This variant is not present in population databases (gnomAD no frequency). This variant has not been reported in the literature in individuals affected with LRRK2-related conditions. ClinVar contains an entry for this variant (Variation ID: 1773002). Algorithms developed to predict the effect of missense changes on protein structure and function output the following: SIFT: "Not Available"; PolyPhen-2: "Benign"; Align-GVGD: "Not Available". The serine amino acid residue is found in multiple mammalian species, which suggests that this missense change does not adversely affect protein function. In summary, the available evidence is currently insufficient to determine the role of this variant in disease. Therefore, it has been classified as a Variant of Uncertain Significance.

Ambry Genetics
Classification: Uncertain significance for Inborn genetic diseases. Last evaluated: 2022-06-24. Review status: criteria provided, single submitter. Criteria: Ambry Variant Classification Scheme 2023. Collection method: clinical testing. Allele origin: germline.
Comment: The p.P485S variant (also known as c.1453C>T), located in coding exon 13 of the LRRK2 gene, results from a C to T substitution at nucleotide position 1453. The proline at codon 485 is replaced by serine, an amino acid with similar properties. This amino acid position is conserved. In addition, this alteration is predicted to be tolerated by in silico analysis. Since supporting evidence is limited at this time, the clinical significance of this alteration remains unclear.

NM_198578.4(LRRK2):c.1453C>T (p.Pro485Ser)

Gene: LRRK2 (leucine rich repeat kinase 2; plus strand). Cytogenetic location: 12q12.
Variant type: single nucleotide variant.
Coding change: c.1453C>T on transcript NM_198578.4 (MANE Select); coding-DNA position 1453, C replaced by T.
Protein change: p.Pro485Ser; replaces proline 485 with serine.
Molecular consequence: missense variant.
Genome position (GRCh38, 1-based): chr12:40,259,514, C>T. VCF-style: chr12-40259514-C-T. GRCh37 (hg19) VCF-style: chr12-40653316-C-T.
Other names: short protein forms P485S.
Identifiers: ClinVar variation 1773002 (VCV001773002.5), dbSNP rs1449710234, ClinGen allele CA384411332.